The following is an entry in ClinVar:

NM_000512.5(GALNS):c.121-225G>A

Gene: GALNS (galactosamine (N-acetyl)-6-sulfatase; minus strand). Cytogenetic location: 16q24.3.
Variant type: single nucleotide variant.
Coding change: c.121-225G>A on transcript NM_000512.5 (MANE Select); 225 bases into the intron before coding-DNA position 121, G replaced by A.
Molecular consequence: intron variant. On other transcripts: synonymous variant (1).
Genome position (GRCh38, 1-based): chr16:88,843,054, C>T on the plus strand (G>A on the coding strand, the complement: GALNS is on the minus strand). VCF-style: chr16-88843054-C-T. GRCh37 (hg19) VCF-style: chr16-88909462-C-T.
Other names: c.114G>A, p.Ser38= (NM_001323544.2); c.-311-1083G>A (NM_001323543.2).
Identifiers: ClinVar variation 3057171 (VCV003057171.2), dbSNP rs539089903, ClinGen allele CA8235308.

ClinVar aggregate classification (germline): Likely benign (0 of 4 stars; one submission).

Conditions:
GALNS-related disorder. Also called: GALNS-related condition.

Allele frequency attached by ClinVar (database versions not stated): 1000 Genomes Project 30x 0.00016; ExAC 0.00016; 1000 Genomes Project 0.00020.
gnomAD v4.1: 70 of 1,519,098 alleles (0.0046%); highest among the groups gnomAD compares: Middle Eastern, 0.043%; 1 homozygote.

Submission:

PreventionGenetics, part of Exact Sciences
Classification: Likely benign for GALNS-related condition. Last evaluated: 2019-04-29. Review status: no assertion criteria provided. Collection method: clinical testing. Allele origin: germline.
Comment: This variant is classified as likely benign based on ACMG/AMP sequence variant interpretation guidelines (Richards et al. 2015 PMID: 25741868, with internal and published modifications).